The following is an entry in ClinVar:

NM_000089.4(COL1A2):c.3368G>T (p.Arg1123Leu)

Gene: COL1A2 (collagen type I alpha 2 chain; plus strand). Cytogenetic location: 7q21.3.
Variant type: single nucleotide variant.
Coding change: c.3368G>T on transcript NM_000089.4 (MANE Select); coding-DNA position 3368, G replaced by T.
Protein change: p.Arg1123Leu; replaces arginine 1123 with leucine.
Molecular consequence: missense variant.
Genome position (GRCh38, 1-based): chr7:94,427,727, G>T. VCF-style: chr7-94427727-G-T. GRCh37 (hg19) VCF-style: chr7-94057039-G-T.
Other names: short protein forms R1123L.
Identifiers: ClinVar variation 526881 (VCV000526881.44), dbSNP rs145541630, ClinGen allele CA4347744.

ClinVar aggregate classification (germline): Uncertain significance. Review status: criteria provided, multiple submitters, no conflicts (2 of 4 stars). 4 submissions from 4 submitters: Uncertain significance (4). Last evaluated 2026-01-26.

Conditions:
Osteogenesis imperfecta type I (OI1). Also called: Osteogenesis imperfecta type 1; Lobstein disease; Classic Non-deforming Osteogenesis Imperfecta with Blue Sclerae; Lobstein's Disease; OI, TYPE I; OSTEOGENESIS IMPERFECTA TARDA. Identifiers: Orphanet 216796, Orphanet 666, MedGen C0023931, MONDO:0008146, OMIM 166200. Disease mechanism: loss of function.
Ehlers-Danlos syndrome, classic type, 1 (EDSCL1). Also called: Ehlers-Danlos Syndrome, Classic Type, COL5A1-Related; EDS I; Ehlers-Danlos syndrome, type 1; EHLERS-DANLOS SYNDROME, GRAVIS TYPE; EHLERS-DANLOS SYNDROME, SEVERE CLASSIC TYPE. Identifiers: MedGen C0268335, MONDO:0019567, OMIM 130000.
Cardiovascular phenotype. Identifiers: MedGen CN230736.

Allele frequency attached by ClinVar (database versions not stated): TOPMed 0.00002; gnomAD 0.00006.
gnomAD v4.1: 9 of 1,613,922 alleles (0.00056%); highest among the groups gnomAD compares: Non-Finnish European, 0.00068%; no homozygotes.

Submissions (4):

Labcorp Genetics (formerly Invitae), Labcorp
Classification: Uncertain significance for Osteogenesis imperfecta type I; Ehlers-Danlos syndrome, classic type, 1. Last evaluated: 2026-01-26. Review status: criteria provided, single submitter. Criteria: Invitae Variant Classification Sherloc (09022015). Collection method: clinical testing. Allele origin: germline.
Comment: This sequence change replaces arginine, which is basic and polar, with leucine, which is neutral and non-polar, at codon 1123 of the COL1A2 protein (p.Arg1123Leu). The frequency data for this variant in the population databases is considered unreliable, as metrics indicate poor data quality at this position in the gnomAD database. This variant has not been reported in the literature in individuals affected with COL1A2-related conditions. ClinVar contains an entry for this variant (Variation ID: 526881). Invitae Evidence Modeling of protein sequence and biophysical properties (such as structural, functional, and spatial information, amino acid conservation, physicochemical variation, residue mobility, and thermodynamic stability) indicates that this missense variant is not expected to disrupt COL1A2 protein function with a negative predictive value of 80%. In summary, the available evidence is currently insufficient to determine the role of this variant in disease. Therefore, it has been classified as a Variant of Uncertain Significance.

GeneDx
Classification: Uncertain significance. Last evaluated: 2022-06-30. Review status: criteria provided, single submitter. Criteria: GeneDx Variant Classification Process June 2021. Collection method: clinical testing. Allele origin: germline. Affected: yes.
Comment: Has not been previously published as pathogenic or benign to our knowledge; Not located in the triple helical region, where the majority of pathogenic missense variants occur (HGMD); In silico analysis supports that this missense variant does not alter protein structure/function

Ambry Genetics
Classification: Uncertain significance for Cardiovascular phenotype. Last evaluated: 2021-08-09. Review status: criteria provided, single submitter. Criteria: Ambry Variant Classification Scheme 2023. Collection method: clinical testing. Allele origin: germline.
Comment: The p.R1123L variant (also known as c.3368G>T), located in coding exon 49 of the COL1A2 gene, results from a G to T substitution at nucleotide position 3368. The arginine at codon 1123 is replaced by leucine, an amino acid with dissimilar properties. This amino acid position is highly conserved in available vertebrate species. In addition, this alteration is predicted to be deleterious by in silico analysis. Since supporting evidence is limited at this time, the clinical significance of this alteration remains unclear.

CeGaT Center for Human Genetics Tuebingen
Classification: Uncertain significance. Last evaluated: 2021-06-01. Review status: criteria provided, single submitter. Criteria: CeGaT Center For Human Genetics Tuebingen Variant Classification Criteria Version 2. Collection method: clinical testing. Allele origin: germline. Affected: yes. Observed: 1 variant allele.